The following is an entry in ClinVar:

NM_032447.5(FBN3):c.2902C>T (p.Arg968Trp)

Gene: FBN3 (fibrillin 3; minus strand). Cytogenetic location: 19p13.2.
Variant type: single nucleotide variant.
Coding change: c.2902C>T on transcript NM_032447.5 (MANE Select); coding-DNA position 2902, C replaced by T.
Protein change: p.Arg968Trp; replaces arginine 968 with tryptophan.
Molecular consequence: missense variant.
Genome position (GRCh38, 1-based): chr19:8,123,838, G>A on the plus strand (C>T on the coding strand, the complement: FBN3 is on the minus strand). VCF-style: chr19-8123838-G-A. GRCh37 (hg19) VCF-style: chr19-8188722-G-A.
Other names: c.2902C>T (NM_032447.3); c.2902C>T, p.Arg968Trp (NM_001321431.2); short protein forms R968W.
Identifiers: ClinVar variation 2992404 (VCV002992404.4), dbSNP rs750843779, ClinGen allele CA9152678.

ClinVar aggregate classification (germline): Uncertain significance. Review status: criteria provided, multiple submitters, no conflicts (2 of 4 stars). 2 submissions from 2 submitters: Uncertain significance (2). Last evaluated 2025-06-18.

Allele frequency attached by ClinVar (database versions not stated): ExAC 0.00001; gnomAD 0.00002; TOPMed 0.00002.
gnomAD v4.1: 23 of 1,613,052 alleles (0.0014%); highest among the groups gnomAD compares: East Asian, 0.0045%; no homozygotes.

Submissions (2):

Ambry Genetics
Classification: Uncertain significance. Last evaluated: 2025-06-18. Review status: criteria provided, single submitter. Criteria: Ambry Variant Classification Scheme 2023. Collection method: clinical testing. Allele origin: germline.

Labcorp Genetics (formerly Invitae), Labcorp
Classification: Uncertain significance. Last evaluated: 2023-08-30. Review status: criteria provided, single submitter. Criteria: Invitae Variant Classification Sherloc (09022015). Collection method: clinical testing. Allele origin: germline.
Comment: In summary, the available evidence is currently insufficient to determine the role of this variant in disease. Therefore, it has been classified as a Variant of Uncertain Significance. Advanced modeling of protein sequence and biophysical properties (such as structural, functional, and spatial information, amino acid conservation, physicochemical variation, residue mobility, and thermodynamic stability) performed at Invitae indicates that this missense variant is expected to disrupt FBN3 protein function. This variant has not been reported in the literature in individuals affected with FBN3-related conditions. This variant is present in population databases (rs750843779, gnomAD 0.005%). This sequence change replaces arginine, which is basic and polar, with tryptophan, which is neutral and slightly polar, at codon 968 of the FBN3 protein (p.Arg968Trp).